The following is an entry in ClinVar:

ClinVar aggregate classification (germline): Pathogenic (1 of 4 stars; one submission).

Conditions:
Hereditary diffuse gastric adenocarcinoma (HDGC). Also called: DIFFUSE GASTRIC AND LOBULAR BREAST CANCER SYNDROME. Identifiers: Orphanet 26106, MedGen C1708349, MONDO:0007648, OMIM 137215.

Submission:

Myriad Genetics, Inc.
Classification: Pathogenic for Hereditary diffuse gastric adenocarcinoma. Last evaluated: 2023-06-12. Review status: criteria provided, single submitter. Criteria: Myriad Autosomal Dominant, Autosomal Recessive and X-Linked Classification Criteria (2023). Collection method: clinical testing. Allele origin: unknown.
Comment: This variant is considered pathogenic. This variant creates a frameshift predicted to result in premature protein truncation.

NM_004360.5(CDH1):c.830del (p.Pro277fs)

Gene: CDH1 (cadherin 1; plus strand). Cytogenetic location: 16q22.1.
Variant type: Deletion.
Coding change: c.830del on transcript NM_004360.5 (MANE Select); coding-DNA position 830, one base deleted (C; older notation c.830delC).
Protein change: p.Pro277fs; shifts the reading frame from proline 277.
Molecular consequence: frameshift variant. On other transcripts: 5 prime UTR variant (2).
Genome position (GRCh38, 1-based): chr16:68,810,339, C deleted; the last of 2 consecutive C bases (chr16:68,810,338-68,810,339); deleting either gives the same sequence. VCF-style (leftmost placement, unchanged base first): chr16-68810337-TC-T. GRCh37 (hg19) VCF-style: chr16-68844240-TC-T.
Other names: c.830del, p.Pro277fs (NM_001317184.2); c.-786del (NM_001317185.2); c.-990del (NM_001317186.2); short protein forms P277fs.
Identifiers: ClinVar variation 2583800 (VCV002583800.2), dbSNP rs2543919482, ClinGen allele CA2582342556.